The following is an entry in ClinVar:

ClinVar aggregate classification (germline): Uncertain significance (1 of 4 stars; one submission).

Submission:

GeneDx
Classification: Uncertain significance. Last evaluated: 2021-11-11. Review status: criteria provided, single submitter. Criteria: GeneDx Variant Classification Process June 2021. Collection method: clinical testing. Allele origin: germline. Affected: yes.
Comment: Not observed at significant frequency in large population cohorts (Lek et al., 2016); Missense variants in this gene are often considered pathogenic (Stenson et al., 2014); In silico analysis supports that this missense variant has a deleterious effect on protein structure/function; Has not been previously published as pathogenic or benign to our knowledge; This substitution is predicted to be in the cytoplasmic loop between first and second homologous domains

NM_001165963.4(SCN1A):c.2150C>A (p.Ala717Asp)

Gene: SCN1A (sodium voltage-gated channel alpha subunit 1; minus strand). Cytogenetic location: 2q24.3.
Variant type: single nucleotide variant.
Coding change: c.2150C>A on transcript NM_001165963.4 (MANE Select); coding-DNA position 2150, C replaced by A.
Protein change: p.Ala717Asp; replaces alanine 717 with aspartic acid.
Molecular consequence: missense variant. On other transcripts: 5 prime UTR variant (1), non-coding transcript variant (1).
Genome position (GRCh38, 1-based): chr2:166,042,318, G>T on the plus strand (C>A on the coding strand, the complement: SCN1A is on the minus strand). VCF-style: chr2-166042318-G-T. GRCh37 (hg19) VCF-style: chr2-166898828-G-T.
Other names: c.2066C>A, p.Ala689Asp (NM_001165964.3, NM_001353957.2, NM_001353958.2); c.2150C>A, p.Ala717Asp (NM_001202435.3, NM_001353948.2); c.2117C>A, p.Ala706Asp (NM_001353949.2, NM_001353950.2, NM_001353951.2 and 2 more transcripts); c.2114C>A, p.Ala705Asp (NM_001353954.2, NM_001353955.2); c.2063C>A, p.Ala688Asp (NM_001353960.2); c.-309C>A (NM_001353961.2); short protein forms A688D, A689D, A705D, A706D, A717D.
Identifiers: ClinVar variation 1321795 (VCV001321795.2), dbSNP rs201021176, ClinGen allele CA349065697.